The following is an entry in ClinVar:

NM_000152.5(GAA):c.1579del (p.Arg527fs)

Gene: GAA (alpha glucosidase; plus strand). Cytogenetic location: 17q25.3.
Variant type: Deletion.
Coding change: c.1579del on transcript NM_000152.5 (MANE Select); coding-DNA position 1579, one base deleted (A; older notation c.1579delA).
Protein change: p.Arg527fs; shifts the reading frame from arginine 527.
Molecular consequence: frameshift variant.
Genome position (GRCh38, 1-based): chr17:80,110,968, A deleted. VCF-style (leftmost placement, unchanged base first): chr17-80110967-CA-C. GRCh37 (hg19) VCF-style: chr17-78084766-CA-C.
Other names: NM_000152.5(GAA):c.1579del; p.Arg527fs; c.1579del, p.Arg527fs (NM_001079803.3, NM_001079804.3); short protein forms R527fs.
Identifiers: ClinVar variation 952947 (VCV000952947.12), dbSNP rs2039222879, ClinGen allele CA1139665924.

ClinVar aggregate classification (germline): Pathogenic. Review status: reviewed by expert panel (3 of 4 stars). 4 submissions from 4 submitters: Pathogenic (1). 3 of the submissions do not count toward it. Last evaluated 2024-04-15.

Conditions:
Glycogen storage disease, type II (IOPD). Also called: Glycogen storage disease type 2; Acid maltase deficiency disease; Aglucosidase alfa; Deficiency of alpha-glucosidase; Deficiency of lysosomal alpha-glucosidase; Glucosidase acid-1,4-alpha deficiency. Identifiers: Orphanet 365, MedGen C0017921, MONDO:0009290, OMIM 232300.

Submissions (4):

ClinGen Lysosomal Storage Disorder Variant Curation Expert Panel
Classification: Pathogenic for Glycogen storage disease, type II. Last evaluated: 2024-04-15. Review status: reviewed by expert panel. Criteria: clingen_lsd_acmg_specifications_v2-1. Collection method: curation. Allele origin: germline. Inheritance: Autosomal recessive inheritance.
Comment: The NM_000152.5:c.1579del (p.Arg527GlyfsTer51) variant in GAA is a frameshift variant predicted to cause a premature stop codon in biologically-relevant-exon 12 out of 20, leading to nonsense mediated decay in a gene in which loss-of-function is an established disease mechanism (PVS1). The patient was reported to be on enzyme replacement therapy based on an "unrecorded indication" (PMID: 34995642) (PP4_Moderate). This patient is compound heterozygous for the variant and c.1222A>G (p.Met408Val) (ClinVar Variation ID: 371235); the variants are confirmed to be in trans (PMID: 34995642). The allelic data from this patient has been used in the classification of p.Met408Val and is not included here to avoid circular logic. The variant is absent in gnomAD v2.1.1. (PM2_Supporting). In summary, this variant meets the criteria to be classified as pathogenic for Pompe disease. GAA-specific ACMG/AMP criteria applied, as specified by the Clingen Lysosomal Diseases variant Curation Expert Panel (Specifications Version 2.0): PVS1, PP4_Moderate, PM2_Supporting. (Classification approved by the ClinGen Lysosomal Diseases Variant Curation Expert Panel on April 15, 2024)

Genomenon, Inc
Classification: Pathogenic for Glycogen storage disease, type II. Last evaluated: 2026-07-01. Review status: criteria provided, single submitter. Criteria: Genomenon Sequence Variant Interpretation Standards - Updated. Collection method: curation. Allele origin: germline. Affected: yes. Not counted in ClinVar's aggregate classification.
Comment: GAA p.Arg527GlyfsTer51 (c.1579del) is a frameshift variant that is predicted to introduce a premature termination codon and result in a truncated or absent protein product. This variant has been observed in at least one proband with a GAA-related disorder (PMID:32849613;34995642;37414610). It is absent or not present at a significant frequency in gnomAD. In conclusion, we classify GAA p.Arg527GlyfsTer51 (c.1579del) as a pathogenic variant.

Fulgent Genetics
Classification: Likely pathogenic for Glycogen storage disease, type II. Last evaluated: 2024-01-28. Review status: criteria provided, single submitter. Criteria: ACMG Guidelines, 2015. Collection method: clinical testing. Allele origin: germline. Not counted in ClinVar's aggregate classification.

Labcorp Genetics (formerly Invitae), Labcorp
Classification: Pathogenic for Glycogen storage disease, type II. Last evaluated: 2022-09-15. Review status: criteria provided, single submitter. Criteria: Invitae Variant Classification Sherloc (09022015). Collection method: clinical testing. Allele origin: germline. Not counted in ClinVar's aggregate classification.
Comment: For these reasons, this variant has been classified as Pathogenic. ClinVar contains an entry for this variant (Variation ID: 952947). This variant has not been reported in the literature in individuals affected with GAA-related conditions. This variant is not present in population databases (gnomAD no frequency). This sequence change creates a premature translational stop signal (p.Arg527Glyfs*51) in the GAA gene. It is expected to result in an absent or disrupted protein product. Loss-of-function variants in GAA are known to be pathogenic (PMID: 18425781, 22252923).

Literature cited by the submitters: PubMed 32849613 (cited by Genomenon, Inc); PubMed 34995642 (cited by Genomenon, Inc); PubMed 37414610 (cited by Genomenon, Inc); PubMed 18425781 (cited by Labcorp Genetics (formerly Invitae), Labcorp); PubMed 22252923 (cited by Labcorp Genetics (formerly Invitae), Labcorp).